The following is an entry in ClinVar:

ClinVar aggregate classification (germline): Likely benign (0 of 4 stars; one submission).

Conditions:
CD14-related disorder. Also called: CD14-related condition.

Allele frequency attached by ClinVar (database versions not stated): ExAC 0.00034; ESP Exome Variant Server 0.00092; 1000 Genomes Project 30x 0.00125; gnomAD 0.00130; TOPMed 0.00145; 1000 Genomes Project 0.00160.
gnomAD v4.1: 401 of 1,613,654 alleles (0.025%); highest among the groups gnomAD compares: African/African-American, 0.41%; 1 homozygote.

Submission:

PreventionGenetics, part of Exact Sciences
Classification: Likely benign for CD14-related condition. Last evaluated: 2022-07-28. Review status: no assertion criteria provided. Collection method: clinical testing. Allele origin: germline.
Comment: This variant is classified as likely benign based on ACMG/AMP sequence variant interpretation guidelines (Richards et al. 2015 PMID: 25741868, with internal and published modifications).

NM_000591.4(CD14):c.1021G>A (p.Glu341Lys)

Genes: CD14 (CD14 molecule; minus strand), TMCO6 (transmembrane and coiled-coil domains 6; plus strand). Cytogenetic location: 5q31.3.
Variant type: single nucleotide variant.
Coding change: c.1021G>A on transcript NM_000591.4 (MANE Select); coding-DNA position 1021, G replaced by A.
Protein change: p.Glu341Lys; replaces glutamic acid 341 with lysine.
Molecular consequence: missense variant.
Genome position (GRCh38, 1-based): chr5:140,631,963, C>T on the plus strand (G>A on the coding strand, the complement: CD14 is on the minus strand). VCF-style: chr5-140631963-C-T. GRCh37 (hg19) VCF-style: chr5-140011548-C-T.
Other names: c.1021G>A, p.Glu341Lys (NM_001040021.3, NM_001174104.2, NM_001174105.2); short protein forms E341K.
Identifiers: ClinVar variation 3049259 (VCV003049259.2), dbSNP rs11556179, ClinGen allele CA3441692.